The following is an entry in ClinVar:

ClinVar aggregate classification (germline): Uncertain significance. Review status: criteria provided, multiple submitters, no conflicts (2 of 4 stars). 2 submissions from 2 submitters: Uncertain significance (2). Last evaluated 2023-05-31.

Conditions:
Inborn genetic diseases. Identifiers: MedGen C0950123, MeSH D030342.
Weill-Marchesani syndrome 3 (WMS3). Also called: Weill-Marchesani syndrome 3, recessive; LTBP2-Related Weill-Marchesani Syndrome. Identifiers: Orphanet 3449, MedGen C3553785, MONDO:0013899, OMIM 614819.
Glaucoma 3, primary congenital, D. Identifiers: Orphanet 98976, MedGen C2751316, MONDO:0013122, OMIM 613086.
Microspherophakia and/or megalocornea, with ectopia lentis and with or without secondary glaucoma (MSPKA). Identifiers: Orphanet 238763, MedGen C3538951, MONDO:0009633, OMIM 251750.

Allele frequency attached by ClinVar (database versions not stated): ExAC 0.00001.
gnomAD v4.1: 4 of 1,614,164 alleles (0.00025%); highest among the groups gnomAD compares: East Asian, 0.0089%; no homozygotes.

Submissions (2):

Ambry Genetics
Classification: Uncertain significance for Inborn genetic diseases. Last evaluated: 2023-05-31. Review status: criteria provided, single submitter. Criteria: Ambry Variant Classification Scheme 2023. Collection method: clinical testing. Allele origin: germline.

Juno Genomics, Hangzhou Juno Genomics, Inc
Classification: Uncertain significance for Weill-Marchesani syndrome 3; Glaucoma 3, primary congenital, D; Microspherophakia and/or megalocornea, with ectopia lentis and with or without secondary glaucoma. Review status: criteria provided, single submitter. Criteria: ACMG Guidelines, 2015. Collection method: clinical testing. Allele origin: germline.
Comment: Absent from controls (or at extremely low frequency if recessive) in Genome Aggregation Database.;Multiple lines of computational evidence support a deleterious effect on the gene or gene product.

NM_000428.3(LTBP2):c.5239C>A (p.Arg1747Ser)

Gene: LTBP2 (latent transforming growth factor beta binding protein 2; minus strand). Cytogenetic location: 14q24.3.
Variant type: single nucleotide variant.
Coding change: c.5239C>A on transcript NM_000428.3 (MANE Select); coding-DNA position 5239, C replaced by A.
Protein change: p.Arg1747Ser; replaces arginine 1747 with serine.
Molecular consequence: missense variant.
Genome position (GRCh38, 1-based): chr14:74,501,522, G>T on the plus strand (C>A on the coding strand, the complement: LTBP2 is on the minus strand). VCF-style: chr14-74501522-G-T. GRCh37 (hg19) VCF-style: chr14-74968225-G-T.
Other names: short protein forms R1747S.
Identifiers: ClinVar variation 2553914 (VCV002553914.4), dbSNP rs749061798, ClinGen allele CA7268468.